The following is an entry in ClinVar:

ClinVar aggregate classification (germline): Benign/Likely benign. Review status: criteria provided, multiple submitters, no conflicts (2 of 4 stars). 7 submissions from 7 submitters: Benign (5); Likely benign (1). 1 of the submissions does not count toward it. Last evaluated 2026-03-30.

Conditions:
Ehlers-Danlos syndrome (EDS). Identifiers: Orphanet 98249, MedGen C0013720, MONDO:0020066.
Ehlers-Danlos syndrome, dermatosparaxis type. Also called: EDS VIIC; Dermatosparaxis; Ehlers-Danlos syndrome, type VII, autosomal recessive. Identifiers: Orphanet 1901, MedGen C2700425, MONDO:0009161, OMIM 225410.

Allele frequency attached by ClinVar (database versions not stated): gnomAD exomes 0.00071 and 0.00192; ExAC 0.00231; 1000 Genomes Project 30x 0.00703; gnomAD 0.00705 and 0.00764; 1000 Genomes Project 0.00719; TOPMed 0.00781; ESP Exome Variant Server 0.00907.
gnomAD v4.1: 2,162 of 1,613,802 alleles (0.13%); highest among the groups gnomAD compares: African/African-American, 2.5%; 26 homozygotes.

Submissions (7):

Women's Health and Genetics/Laboratory Corporation of America, LabCorp
Classification: Benign. Last evaluated: 2026-03-30. Review status: criteria provided, single submitter. Criteria: LabCorp Variant Classification Summary - May 2015. Collection method: clinical testing. Allele origin: germline.

Labcorp Genetics (formerly Invitae), Labcorp
Classification: Benign for Ehlers-Danlos syndrome, dermatosparaxis type. Last evaluated: 2026-02-02. Review status: criteria provided, single submitter. Criteria: Invitae Variant Classification Sherloc (09022015). Collection method: clinical testing. Allele origin: germline.

Genome Diagnostics Laboratory, The Hospital for Sick Children
Classification: Likely benign for Ehlers-Danlos syndrome. Last evaluated: 2021-11-29. Review status: criteria provided, single submitter. Criteria: ACMG Guidelines, 2015. Collection method: clinical testing. Allele origin: germline.

Mayo Clinic Laboratories, Mayo Clinic
Classification: Benign. Last evaluated: 2021-10-21. Review status: criteria provided, single submitter. Criteria: ACMG Guidelines, 2015. Collection method: clinical testing. Allele origin: germline. Observed: 6 variant alleles.
Comment: BS1, BS2, BP4, BP7

GeneDx
Classification: Benign. Last evaluated: 2019-03-13. Review status: criteria provided, single submitter. Criteria: GeneDx Variant Classification Process June 2021. Collection method: clinical testing. Allele origin: germline. Affected: yes.

Illumina Laboratory Services, Illumina
Classification: Benign for Ehlers-Danlos syndrome, dermatosparaxis type. Last evaluated: 2018-01-12. Review status: criteria provided, single submitter. Criteria: ICSL Variant Classification Criteria 13 December 2019. Collection method: clinical testing. Allele origin: germline.
Comment: This variant was observed in the ICSL laboratory as part of a predisposition screen in an ostensibly healthy population. It had not been previously curated by ICSL or reported in the Human Gene Mutation Database (HGMD: prior to June 1st, 2018), and was therefore a candidate for classification through an automated scoring system. Utilizing variant allele frequency, disease prevalence and penetrance estimates, and inheritance mode, an automated score was calculated to assess if this variant is too frequent to cause the disease. Based on the score and internal cut-off values, a variant classified as benign is not then subjected to further curation. The score for this variant resulted in a classification of benign for this disease.

Natera, Inc.
Classification: Benign for Ehlers-Danlos syndrome type VIIC. Last evaluated: 2019-12-02. Review status: no assertion criteria provided. Collection method: clinical testing. Allele origin: germline. Not counted in ClinVar's aggregate classification.

NM_014244.5(ADAMTS2):c.3279T>C (p.Cys1093=)

Gene: ADAMTS2 (ADAM metallopeptidase with thrombospondin type 1 motif 2; minus strand). Cytogenetic location: 5q35.3.
Variant type: single nucleotide variant.
Coding change: c.3279T>C on transcript NM_014244.5 (MANE Select); coding-DNA position 3279, T replaced by C.
Protein change: p.Cys1093=; no amino-acid change (cysteine 1093 retained).
Molecular consequence: synonymous variant.
Genome position (GRCh38, 1-based): chr5:179,114,224, A>G on the plus strand (T>C on the coding strand, the complement: ADAMTS2 is on the minus strand). VCF-style: chr5-179114224-A-G. GRCh37 (hg19) VCF-style: chr5-178541225-A-G.
Other names: p.Cys1093=.
Identifiers: ClinVar variation 517917 (VCV000517917.34), dbSNP rs73806887, ClinGen allele CA3595263.
Genomic context (GRCh38, chr5:179,114,224, plus strand): 5'-GTGCTTCCCAGGCGGTGGCTCTATCCTGCCCTCCACGTTGGTGAGGTTGTTGTACAGGTT[A>G]CAGGACTTGCAGCACAGCTTGTTGTAGCCTGGGATGGAGCAATAGCGGGACAAGACTTCC-3'
Protein context (NP_055059.2, residues 1083-1103): PGYNKLCCKS[Cys1093=]NLYNNLTNVE